The following is an entry in ClinVar:

NM_000377.3(WAS):c.100del (p.Arg34fs)

Gene: WAS (WASP actin nucleation promoting factor; plus strand). Cytogenetic location: Xp11.23.
Variant type: Deletion.
Coding change: c.100del on transcript NM_000377.3 (MANE Select); coding-DNA position 100, one base deleted (C; older notation c.100delC).
Protein change: p.Arg34fs; shifts the reading frame from arginine 34.
Molecular consequence: frameshift variant.
Genome position (GRCh38, 1-based): chrX:48,683,953, C deleted. VCF-style (leftmost placement, unchanged base first): chrX-48683952-GC-G. GRCh37 (hg19) VCF-style: chrX-48542341-GC-G.
Other names: c.100del, p.Arg34fs (NM_001438876.1, NM_001438877.1, NM_001438878.1 and 1 more transcripts); short protein forms R34fs.
Identifiers: ClinVar variation 4855552 (VCV004855552.1).

ClinVar aggregate classification (germline): Likely pathogenic (1 of 4 stars; one submission).

Conditions:
Wiskott-Aldrich syndrome (WAS). Also called: Wiskott-aldrich syndrome, somatic; ALDRICH SYNDROME; IMMUNODEFICIENCY 2; WISKOTT-ALDRICH SYNDROME 1. Identifiers: Orphanet 906, MedGen C0043194, MONDO:0010518, OMIM 301000.

Submission:

3billion
Classification: Likely pathogenic for Wiskott-Aldrich syndrome. Last evaluated: 2026-01-12. Review status: criteria provided, single submitter. Criteria: ACMG Guidelines, 2015. Collection method: clinical testing. Allele origin: germline. Affected: yes.
Comment: The variant is not observed in the gnomAD v4.1.0 dataset. Predicted Consequence/Location: Frameshift: predicted to result in a loss or disruption of normal protein function through nonsense-mediated decay (NMD) or protein truncation. Multiple pathogenic variants are reported downstream of the variant. Therefore, this variant is classified as Likely pathogenic according to the recommendation of ACMG/AMP guideline.